The following is an entry in ClinVar:

NM_198253.3(TERT):c.2449G>A (p.Ala817Thr)

Gene: TERT (telomerase reverse transcriptase; minus strand). Cytogenetic location: 5p15.33.
Variant type: single nucleotide variant.
Coding change: c.2449G>A on transcript NM_198253.3 (MANE Select); coding-DNA position 2449, G replaced by A.
Protein change: p.Ala817Thr; replaces alanine 817 with threonine.
Molecular consequence: missense variant.
Genome position (GRCh38, 1-based): chr5:1,271,138, C>T on the plus strand (G>A on the coding strand, the complement: TERT is on the minus strand). VCF-style: chr5-1271138-C-T. GRCh37 (hg19) VCF-style: chr5-1271253-C-T.
Other names: c.2449G>A, p.Ala817Thr (NM_001193376.3); short protein forms A817T.
Identifiers: ClinVar variation 648802 (VCV000648802.15), dbSNP rs778051907, ClinGen allele CA3184516.

ClinVar aggregate classification (germline): Conflicting classifications of pathogenicity. Review status: criteria provided, conflicting classifications (1 of 4 stars). 5 submissions from 5 submitters: Uncertain significance (4); Likely benign (1). Last evaluated 2025-06-26.

Conditions:
TERT-related disorder. Also called: TERT-related condition; TERT-related disorders.
Dyskeratosis congenita. Identifiers: Orphanet 1775, MedGen C0265965, MONDO:0015780.
Dyskeratosis congenita, autosomal dominant 2. Identifiers: MedGen C3151443, MONDO:0013521, OMIM 613989.
Idiopathic Pulmonary Fibrosis. Also called: Idiopathic fibrosing alveolitis, chronic form; idiopathic fibrosing alveolitis. Identifiers: Orphanet 2032, MedGen C1800706, MeSH D054990, MONDO:0800504.

Allele frequency attached by ClinVar (database versions not stated): gnomAD exomes 0.00001 and 0.00002; TOPMed 0.00001; ExAC 0.00003; gnomAD 0.00003.
gnomAD v4.1: 22 of 1,612,928 alleles (0.0014%); highest among the groups gnomAD compares: South Asian, 0.0044%; no homozygotes.

Submissions (5):

GeneDx
Classification: Uncertain significance. Last evaluated: 2025-06-26. Review status: criteria provided, single submitter. Criteria: GeneDx Variant Classification Process June 2021. Collection method: clinical testing. Allele origin: germline. Affected: yes.
Comment: In silico analysis suggests that this missense variant does not alter protein structure/function; Has not been previously published as pathogenic or benign to our knowledge

Ambry Genetics
Classification: Uncertain significance for Dyskeratosis congenita. Last evaluated: 2025-06-13. Review status: criteria provided, single submitter. Criteria: Ambry Variant Classification Scheme 2023. Collection method: clinical testing. Allele origin: germline.
Comment: The p.A817T variant (also known as c.2449G>A), located in coding exon 8 of the TERT gene, results from a G to A substitution at nucleotide position 2449. The alanine at codon 817 is replaced by threonine, an amino acid with similar properties. This amino acid position is poorly conserved in available vertebrate species. In addition, this alteration is predicted to be tolerated by in silico analysis. Based on the available evidence, the clinical significance of this variant remains unclear.

PreventionGenetics, part of Exact Sciences
Classification: Uncertain significance for TERT-related condition. Last evaluated: 2025-03-17. Review status: criteria provided, single submitter. Criteria: ACMG Guidelines, 2015. Collection method: clinical testing. Allele origin: germline.
Comment: The TERT c.2449G>A variant is predicted to result in the amino acid substitution p.Ala817Thr. To our knowledge, this variant has not been reported in the literature. This variant is reported in 0.010% of alleles in individuals of East Asian descent in gnomAD. At this time, the clinical significance of this variant is uncertain due to the absence of conclusive functional and genetic evidence.

Labcorp Genetics (formerly Invitae), Labcorp
Classification: Likely benign for Dyskeratosis congenita, autosomal dominant 2; Idiopathic Pulmonary Fibrosis. Last evaluated: 2024-05-06. Review status: criteria provided, single submitter. Criteria: Invitae Variant Classification Sherloc (09022015). Collection method: clinical testing. Allele origin: germline.

Baylor Genetics
Classification: Uncertain significance for Dyskeratosis congenita, autosomal dominant 2. Last evaluated: 2024-02-21. Review status: criteria provided, single submitter. Criteria: ACMG Guidelines, 2015. Collection method: clinical testing. Allele origin: unknown.